The following is an entry in ClinVar:

NM_000204.5(CFI):c.1195T>C (p.Trp399Arg)

Gene: CFI (complement factor I; minus strand). Cytogenetic location: 4q25.
Variant type: single nucleotide variant.
Coding change: c.1195T>C on transcript NM_000204.5 (MANE Select); coding-DNA position 1195, T replaced by C.
Protein change: p.Trp399Arg; replaces tryptophan 399 with arginine.
Molecular consequence: missense variant. On other transcripts: non-coding transcript variant (2).
Genome position (GRCh38, 1-based): chr4:109,746,456, A>G on the plus strand (T>C on the coding strand, the complement: CFI is on the minus strand). VCF-style: chr4-109746456-A-G. GRCh37 (hg19) VCF-style: chr4-110667612-A-G.
Other names: c.1219T>C, p.Trp407Arg (NM_001318057.2, NM_001375278.1); c.1174T>C, p.Trp392Arg (NM_001331035.2, NM_001375280.1, NM_001375282.1); c.1195T>C, p.Trp399Arg (NM_001375279.1, NM_001375281.1); c.1138T>C, p.Trp380Arg (NM_001375283.1); c.586T>C, p.Trp196Arg (NM_001375284.1); short protein forms W196R, W380R, W399R, W407R, W392R.
Identifiers: ClinVar variation 1504041 (VCV001504041.8), dbSNP rs778871974, ClinGen allele CA3041977.

ClinVar aggregate classification (germline): Conflicting classifications of pathogenicity. Review status: criteria provided, conflicting classifications (1 of 4 stars). 2 submissions from 2 submitters: Pathogenic (1); Uncertain significance (1). Last evaluated 2026-09-17.

Conditions:
CFI-related disorder. Also called: CFI-related condition; CFI-related disorders. Identifiers: MedGen CN239325.

Allele frequency attached by ClinVar (database versions not stated): gnomAD exomes 0.00001 and below 0.00001; ExAC 0.00002; gnomAD 0.00001.
gnomAD v4.1: 10 of 1,613,632 alleles (0.00062%); highest among the groups gnomAD compares: Non-Finnish European, 0.00068%; 1 homozygote.

Submissions (2):

Genomenon, Inc
Classification: Pathogenic for CFI-related disorder. Last evaluated: 2026-09-17. Review status: criteria provided, single submitter. Criteria: Genomenon Sequence Variant Interpretation Standards - Updated. Collection method: curation. Allele origin: germline. Affected: yes.
Comment: CFI p.Trp399Arg (c.1195T>C) is a missense variant that changes the amino acid at codon 399 from Tryptophan to Arginine. This variant has been observed in at least one proband affected with a CFI-related disorder (PMID:32510551;37954579;20595690). At least one functional study has demonstrated a substantial alteration in protein function relative to the wild-type (PMID:37954579). This variant is located in a mutational hotspot and/or important functional domain. It is absent or not present at a significant frequency in gnomAD. In conclusion, we classify CFI p.Trp399Arg (c.1195T>C) as a pathogenic variant.

Labcorp Genetics (formerly Invitae), Labcorp
Classification: Uncertain significance. Last evaluated: 2024-05-20. Review status: criteria provided, single submitter. Criteria: Invitae Variant Classification Sherloc (09022015). Collection method: clinical testing. Allele origin: germline.
Comment: This sequence change replaces tryptophan, which is neutral and slightly polar, with arginine, which is basic and polar, at codon 399 of the CFI protein (p.Trp399Arg). This variant is present in population databases (rs778871974, gnomAD 0.004%). This missense change has been observed in individual(s) with atypical hemolytic uremic syndrome and age-related macular degeneration (PMID: 20595690, 24036952). ClinVar contains an entry for this variant (Variation ID: 1504041). Advanced modeling of protein sequence and biophysical properties (such as structural, functional, and spatial information, amino acid conservation, physicochemical variation, residue mobility, and thermodynamic stability) performed at Invitae indicates that this missense variant is not expected to disrupt CFI protein function with a negative predictive value of 80%. Experimental studies are conflicting or provide insufficient evidence to determine the effect of this variant on CFI function (PMID: 32510551). In summary, the available evidence is currently insufficient to determine the role of this variant in disease. Therefore, it has been classified as a Variant of Uncertain Significance.

Literature cited by the submitters: PubMed 32510551 (cited by Genomenon, Inc and Labcorp Genetics (formerly Invitae), Labcorp); PubMed 37954579 (cited by Genomenon, Inc); PubMed 20595690 (cited by Genomenon, Inc and Labcorp Genetics (formerly Invitae), Labcorp); PubMed 24036952 (cited by Labcorp Genetics (formerly Invitae), Labcorp).